The following is an entry in ClinVar:

NM_005660.3(SLC35A2):c.458C>T (p.Ala153Val)

Gene: SLC35A2 (solute carrier family 35 member A2; minus strand). Cytogenetic location: Xp11.23.
Variant type: single nucleotide variant.
Coding change: c.458C>T on transcript NM_005660.3 (MANE Select); coding-DNA position 458, C replaced by T.
Protein change: p.Ala153Val; replaces alanine 153 with valine.
Molecular consequence: missense variant. On other transcripts: intron variant (3).
Genome position (GRCh38, 1-based): chrX:48,905,451, G>A on the plus strand (C>T on the coding strand, the complement: SLC35A2 is on the minus strand). VCF-style: chrX-48905451-G-A. GRCh37 (hg19) VCF-style: chrX-48762728-G-A.
Other names: c.458C>T, p.Ala153Val (NM_001042498.3); c.275C>T, p.Ala92Val (NM_001282649.2); c.497C>T, p.Ala166Val (NM_001282650.2); c.542C>T, p.Ala181Val (NM_001282651.2); c.427-559C>T (NM_001282647.2, NM_001032289.3); c.355-559C>T (NM_001282648.2); short protein forms A166V, A181V, A153V, A92V.
Identifiers: ClinVar variation 2832795 (VCV002832795.3), dbSNP rs2519647673, ClinGen allele CA412895921.

ClinVar aggregate classification (germline): Uncertain significance (1 of 4 stars; one submission).

Conditions:
SLC35A2-congenital disorder of glycosylation. Also called: CONGENITAL DISORDER OF GLYCOSYLATION, TYPE IIm; CDG IIm; CONGENITAL DISORDER OF GLYCOSYLATION, TYPE IIm, SOMATIC MOSAIC; EPILEPTIC ENCEPHALOPATHY, EARLY INFANTILE, 22; SLC35A2-CDG; DEVELOPMENTAL AND EPILEPTIC ENCEPHALOPATHY 22. Identifiers: Orphanet 356961, MedGen C3806688, MONDO:0010478, OMIM 300896.

Submission:

Labcorp Genetics (formerly Invitae), Labcorp
Classification: Uncertain significance for SLC35A2-congenital disorder of glycosylation. Last evaluated: 2023-01-29. Review status: criteria provided, single submitter. Criteria: Invitae Variant Classification Sherloc (09022015). Collection method: clinical testing. Allele origin: germline.
Comment: This sequence change replaces alanine, which is neutral and non-polar, with valine, which is neutral and non-polar, at codon 153 of the SLC35A2 protein (p.Ala153Val). This variant is not present in population databases (gnomAD no frequency). This variant has not been reported in the literature in individuals affected with SLC35A2-related conditions. Advanced modeling of protein sequence and biophysical properties (such as structural, functional, and spatial information, amino acid conservation, physicochemical variation, residue mobility, and thermodynamic stability) has been performed at Invitae for this missense variant, however the output from this modeling did not meet the statistical confidence thresholds required to predict the impact of this variant on SLC35A2 protein function. In summary, the available evidence is currently insufficient to determine the role of this variant in disease. Therefore, it has been classified as a Variant of Uncertain Significance.